The following is an entry in ClinVar:

ClinVar aggregate classification (germline): Conflicting classifications of pathogenicity. Review status: criteria provided, conflicting classifications (1 of 4 stars). 6 submissions from 4 submitters: Uncertain significance (4); Likely benign (1). 1 of the submissions does not count toward it. Last evaluated 2026-09-22.

Conditions:
Brugada syndrome. Also called: Sudden Unexplained Death Syndrome; Sudden Unexplained Nocturnal Death Syndrome (SUNDS); Sudden unexplained nocturnal death syndrome; Sudden unexpected nocturnal death syndrome. Identifiers: Orphanet 130, MedGen C1142166, MONDO:0015263.
Cardiomyopathy (CMYO). Also called: Cardiomyopathies. Identifiers: Orphanet 167848, MedGen C0878544, MONDO:0004994, HP:0001638. Inheritance: Various modes of inheritance.
Primary familial hypertrophic cardiomyopathy (HCM). Identifiers: Orphanet 99739, MedGen C0949658, MeSH D024741, MONDO:0024573. Inheritance: Various modes of inheritance.

Allele frequency attached by ClinVar (database versions not stated): 1000 Genomes Project 30x 0.00016; 1000 Genomes Project 0.00020; TOPMed 0.00055; ESP Exome Variant Server 0.00069; gnomAD exomes 0.00091 and 0.00128; gnomAD 0.00099 and 0.00108; ExAC 0.00145.
gnomAD v4.1: 1,486 of 1,614,156 alleles (0.092%); highest among the groups gnomAD compares: Non-Finnish European, 0.095%; 2 homozygotes.

Submissions (6):

Petrovsky National Research Centre of Surgery, The Federal Agency for Scientific Organizations
Classification: Uncertain significance for Primary familial hypertrophic cardiomyopathy. Last evaluated: 2026-09-22. Review status: criteria provided, single submitter. Criteria: ACMG Guidelines, 2015. Collection method: research. Allele origin: unknown. Inheritance: Autosomal dominant inheritance. Affected: yes. Observed: 1 variant allele, 1 heterozygote.
Comment: Clinvar (VCV000994289.13) contains 4 entries for this variant. PVS1 was not applied because there is no evidence that LOF variants in the MYBPHL gene cause the hypertrophic cardiomyopathy. NM_001458.5:c.7309C>T is in the Genome Aggregation Database (gnomAD) v4.1.0 with total AF=0,000915 (Date of access 22-09-2026) (BS1). A functional studies (PMID: 28778945, 35533732, 41258892) support the effect of this variant on protein (PS3_supporting). The segregation of the variant with the disease within one family is described (PMID: 28778945) (PP1_supporting). In accordance with ACMG(2015) criteria this variant is classified as Variant of Uncertain Significance (VUS) with following criteria selected: BS1, PS3_supporting, PP1, PP3.

Petrovsky National Research Centre of Surgery, The Federal Agency for Scientific Organizations
Classification: Uncertain significance for Cardiomyopathy. Last evaluated: 2025-11-18. Review status: criteria provided, single submitter. Criteria: ACMG Guidelines, 2015. Collection method: clinical testing. Allele origin: germline. Affected: yes.
Comment: The variant has a relatively high population frequency (gnomAD v4.1.0 MAF 0.0009206), supporting BS1. BS2 is applied due to observation in unaffected individuals. In accordance with ACMG (2015) criteria, this variant is classified as Variant of Uncertain Significance (Class III) with the following criteria applied: BS1, BS2, PS3_supporting.

Blueprint Genetics
Classification: Likely benign. Last evaluated: 2024-11-26. Review status: criteria provided, single submitter. Criteria: ACMG Guidelines, 2015. Collection method: clinical testing. Allele origin: germline.

Petrovsky National Research Centre of Surgery, The Federal Agency for Scientific Organizations
Classification: Uncertain significance for Brugada syndrome. Last evaluated: 2023-03-06. Review status: criteria provided, single submitter. Criteria: ACMG Guidelines, 2015. Collection method: clinical testing. Allele origin: germline. Affected: yes.
Comment: This variant is in The Genome Aggregation Database (gnomAD) v2.1.1 with total MAF 0.001404 (Date of access 06-03-2023). Clinvar contains an entry for this variant (Variation ID: 994289). This variant has been reported in one study (PMID: 28778945) showing that the R255X is subject to NMD, a direct study of MYBPHL (PMID: 35533732) provides evidence of atrioventricular dysfunction following loss of Mybphl. Most in silico predictors show benign result of the protein change. In accordance with ACMG(2015) criteria this variant is classified as Variant of Uncertain Significance (VUS) with following criteria selected: PS3, BS1.

ARUP Laboratories, Molecular Genetics and Genomics, ARUP Laboratories
Classification: Uncertain significance. Last evaluated: 2019-08-12. Review status: criteria provided, single submitter. Criteria: ARUP Molecular Germline Variant Investigation Process. Collection method: clinical testing. Allele origin: germline.

OMIM
Classification: Uncertain significance for VARIANT OF UNKNOWN SIGNIFICANCE. Last evaluated: 2022-04-12. Review status: no assertion criteria provided. Collection method: literature only. Allele origin: germline. Not counted in ClinVar's aggregate classification.

Literature cited by the submitters: PubMed 28778945 (cited by Petrovsky National Research Centre of Surgery, The Federal Agency for Scientific Organizations and OMIM); PubMed 35533732 (cited by Petrovsky National Research Centre of Surgery, The Federal Agency for Scientific Organizations); PubMed 41258892 (cited by Petrovsky National Research Centre of Surgery, The Federal Agency for Scientific Organizations).

NM_001010985.3(MYBPHL):c.763C>T (p.Arg255Ter)

Gene: MYBPHL (myosin binding protein H like; minus strand). Cytogenetic location: 1p13.3.
Variant type: single nucleotide variant.
Coding change: c.763C>T on transcript NM_001010985.3 (MANE Select); coding-DNA position 763, C replaced by T.
Protein change: p.Arg255Ter; replaces arginine 255 with a stop codon.
Molecular consequence: nonsense.
Genome position (GRCh38, 1-based): chr1:109,296,338, G>A on the plus strand (C>T on the coding strand, the complement: MYBPHL is on the minus strand). VCF-style: chr1-109296338-G-A. GRCh37 (hg19) VCF-style: chr1-109838960-G-A.
Other names: p.Arg255*; c.694C>T, p.Arg232Ter (NM_001265613.2); short protein forms R232*, R255*.
Identifiers: ClinVar variation 994289 (VCV000994289.15), dbSNP rs139849511, ClinGen allele CA989208.